The following is an entry in ClinVar:

ClinVar aggregate classification (germline): Conflicting classifications of pathogenicity. Review status: criteria provided, conflicting classifications (1 of 4 stars). 7 submissions from 7 submitters: Uncertain significance (2); Benign (1); Likely benign (3). 1 of the submissions does not count toward it. Last evaluated 2026-02-02.

Conditions:
TTN-related disorder. Also called: TTN-related condition; TTN-related disease; TTN-related disorders.
Autosomal recessive limb-girdle muscular dystrophy type 2J (LGMDR10). Also called: Limb-girdle muscular dystrophy, type 2J; MUSCULAR DYSTROPHY, LIMB-GIRDLE, AUTOSOMAL RECESSIVE 10. Identifiers: Orphanet 140922, MedGen C1837342, MONDO:0012127, OMIM 608807.
Dilated cardiomyopathy 1G (CMD1G). Identifiers: Orphanet 154, MedGen C1858763, MONDO:0011400, OMIM 604145.

Allele frequency attached by ClinVar (database versions not stated): gnomAD 0.00002 and 0.00017; TOPMed 0.00006; gnomAD exomes 0.00019 and 0.00032; ExAC 0.00034; 1000 Genomes Project 0.00140; 1000 Genomes Project 30x 0.00141.
gnomAD v4.1: 305 of 1,613,242 alleles (0.019%); highest among the groups gnomAD compares: South Asian, 0.31%; 4 homozygotes.

Submissions (7):

Labcorp Genetics (formerly Invitae), Labcorp
Classification: Likely benign for Dilated cardiomyopathy 1G; Autosomal recessive limb-girdle muscular dystrophy type 2J. Last evaluated: 2026-02-02. Review status: criteria provided, single submitter. Criteria: Invitae Variant Classification Sherloc (09022015). Collection method: clinical testing. Allele origin: germline.

Women's Health and Genetics/Laboratory Corporation of America, LabCorp
Classification: Likely benign. Last evaluated: 2022-02-14. Review status: criteria provided, single submitter. Criteria: LabCorp Variant Classification Summary - May 2015. Collection method: clinical testing. Allele origin: germline.
Comment: Variant summary: TTN c.66845A>G (p.Asp22282Gly) results in a non-conservative amino acid change located in the A-band region of the encoded protein sequence. Three of five in-silico tools predict a damaging effect of the variant on protein function. The variant allele was found at a frequency of 0.00032 in 247022 control chromosomes, predominantly at a frequency of 0.0026 within the South Asian subpopulation in the gnomAD database, including 2 homozygotes. The observed variant frequency within South Asian control individuals in the gnomAD database is approximately 6.7 fold of the estimated maximal expected allele frequency for a pathogenic variant in TTN causing Dilated Cardiomyopathy phenotype (0.00039), strongly suggesting that the variant is a benign polymorphism found primarily in populations of South Asian origin. To our knowledge, no occurrence of c.66845A>G in individuals affected with Dilated Cardiomyopathy and no experimental evidence demonstrating its impact on protein function have been reported. Six clinical diagnostic laboratories have submitted clinical-significance assessments for this variant to ClinVar after 2014 without evidence for independent evaluation. Multiple laboratories reported the variant with conflicting assessments (benign/likely benign, n=3; VUS, n=3). Based on the evidence outlined above, the variant was classified as likely benign.

GeneDx
Classification: Likely benign. Last evaluated: 2021-02-04. Review status: criteria provided, single submitter. Criteria: GeneDx Variant Classification Process June 2021. Collection method: clinical testing. Allele origin: germline. Affected: yes.

Athena Diagnostics
Classification: Benign. Last evaluated: 2018-11-01. Review status: criteria provided, single submitter. Criteria: Athena Diagnostics Criteria. Collection method: clinical testing. Allele origin: germline.

Eurofins Ntd Llc (ga)
Classification: Uncertain significance. Last evaluated: 2015-09-15. Review status: criteria provided, single submitter. Criteria: EGL Classification Definitions 2015. Collection method: clinical testing. Allele origin: germline. Observed: 2 variant alleles, 2 heterozygotes.

Laboratory for Molecular Medicine, Mass General Brigham Personalized Medicine
Classification: Uncertain significance. Last evaluated: 2015-04-29. Review status: criteria provided, single submitter. Criteria: LMM Criteria. Collection method: clinical testing. Allele origin: germline. Observed: 1 variant allele.
Comment: Variant classified as Uncertain Significance - Favor Benign. The p.Asp22282Gly v ariant in TTN has not been previously reported in individuals with cardiomyopath y, but has been identified in 0.25% (41/16430) of South Asian chromosomes by the Exome Aggregation Consortium (ExAC; dbSNP rs573 415766). Computational prediction tools and conservation analysis do not provide strong support for or against an impact to the protein. In summary, while the c linical significance of the p.Asp22282Gly variant is uncertain, its frequency su ggests that it is more likely to be benign.

PreventionGenetics, part of Exact Sciences
Classification: Likely benign for TTN-related condition. Last evaluated: 2022-06-13. Review status: no assertion criteria provided. Collection method: clinical testing. Allele origin: germline. Not counted in ClinVar's aggregate classification.
Comment: This variant is classified as likely benign based on ACMG/AMP sequence variant interpretation guidelines (Richards et al. 2015 PMID: 25741868, with internal and published modifications).

NM_001267550.2(TTN):c.74549A>G (p.Asp24850Gly)

Genes: TTN-AS1 (TTN antisense RNA 1; plus strand), TTN (titin; minus strand). Cytogenetic location: 2q31.2.
Variant type: single nucleotide variant.
Coding change: c.74549A>G on transcript NM_001267550.2 (MANE Select); coding-DNA position 74549, A replaced by G.
Protein change: p.Asp24850Gly; replaces aspartic acid 24850 with glycine.
Molecular consequence: missense variant.
Genome position (GRCh38, 1-based): chr2:178,571,583, T>C on the plus strand (A>G on the coding strand, the complement: TTN is on the minus strand). VCF-style: chr2-178571583-T-C. GRCh37 (hg19) VCF-style: chr2-179436310-T-C.
Other names: c.66845A>G, p.Asp22282Gly (NM_133378.4); c.69626A>G, p.Asp23209Gly (NM_001256850.1); c.47354A>G, p.Asp15785Gly (NM_003319.4); c.47729A>G, p.Asp15910Gly (NM_133432.3); c.47930A>G, p.Asp15977Gly (NM_133437.4); short protein forms D22282G, D24850G, D23209G, D15977G, D15785G, D15910G.
Identifiers: ClinVar variation 229513 (VCV000229513.30), dbSNP rs573415766, ClinGen allele CA1990181.